The following is an entry in ClinVar:

NM_018979.4(WNK1):c.2032G>A (p.Gly678Ser)

Gene: WNK1 (WNK lysine deficient protein kinase 1; plus strand). Cytogenetic location: 12p13.33.
Variant type: single nucleotide variant.
Coding change: c.2032G>A on transcript NM_018979.4 (MANE Select); coding-DNA position 2032, G replaced by A.
Protein change: p.Gly678Ser; replaces glycine 678 with serine.
Molecular consequence: missense variant.
Genome position (GRCh38, 1-based): chr12:862,163, G>A. VCF-style: chr12-862163-G-A. GRCh37 (hg19) VCF-style: chr12-971329-G-A.
Other names: c.2032G>A, p.Gly678Ser (NM_001184985.2, NM_014823.3, NM_213655.5); short protein forms G678S.
Identifiers: ClinVar variation 2943702 (VCV002943702.3), dbSNP rs528201274, ClinGen allele CA6382093.
Genomic context (GRCh38, chr12:862,163, plus strand): 5'-GGTCAGGGATCCTCTGTCTTCACAGAATCTCGAGTGAGCAGCCAACAGACAGTTTCATAT[G>A]GTTCCCAACATGAACAGGCACATTCTACAGGCACAGTCCCAGGGCATATACCTTCTACTG-3'
Protein context (NP_061852.3, residues 668-688): RVSSQQTVSY[Gly678Ser]SQHEQAHSTG

ClinVar aggregate classification (germline): Uncertain significance (1 of 4 stars; one submission).

Conditions:
Neuropathy, hereditary sensory and autonomic, type 2A (HSAN2A). Also called: ACROOSTEOLYSIS, GIACCAI TYPE; ACROOSTEOLYSIS, NEUROGENIC; MORVAN DISEASE; NEUROPATHY, CONGENITAL SENSORY; NEUROPATHY, HEREDITARY SENSORY RADICULAR, AUTOSOMAL RECESSIVE; NEUROPATHY, HEREDITARY SENSORY, TYPE IIA. Identifiers: Orphanet 970, MedGen C2752089, MONDO:0024309, OMIM 201300.
Pseudohypoaldosteronism type 2C (PHA2C). Also called: Pseudohypoaldosteronism Type IIC. Identifiers: Orphanet 757, Orphanet 88940, MedGen C1840391, MONDO:0013778, OMIM 614492.

Allele frequency attached by ClinVar (database versions not stated): ExAC 0.00001; gnomAD 0.00001; 1000 Genomes Project 0.00020; 1000 Genomes Project 30x 0.00031.

Submission:

Labcorp Genetics (formerly Invitae), Labcorp
Classification: Uncertain significance for Neuropathy, hereditary sensory and autonomic, type 2A; Pseudohypoaldosteronism type 2C. Last evaluated: 2023-04-08. Review status: criteria provided, single submitter. Criteria: Invitae Variant Classification Sherloc (09022015). Collection method: clinical testing. Allele origin: germline.
Comment: In summary, the available evidence is currently insufficient to determine the role of this variant in disease. Therefore, it has been classified as a Variant of Uncertain Significance. Advanced modeling of protein sequence and biophysical properties (such as structural, functional, and spatial information, amino acid conservation, physicochemical variation, residue mobility, and thermodynamic stability) performed at Invitae indicates that this missense variant is not expected to disrupt WNK1 protein function. This variant has not been reported in the literature in individuals affected with WNK1-related conditions. This variant is present in population databases (rs528201274, gnomAD 0.007%). This sequence change replaces glycine, which is neutral and non-polar, with serine, which is neutral and polar, at codon 678 of the WNK1 protein (p.Gly678Ser).